The following is an entry in ClinVar:

NM_001378328.1(CELSR1):c.4415C>G (p.Thr1472Ser)

Gene: CELSR1 (cadherin EGF LAG seven-pass G-type receptor 1; minus strand). Cytogenetic location: 22q13.31.
Variant type: single nucleotide variant.
Coding change: c.4415C>G on transcript NM_001378328.1 (MANE Select); coding-DNA position 4415, C replaced by G.
Protein change: p.Thr1472Ser; replaces threonine 1472 with serine.
Molecular consequence: missense variant.
Genome position (GRCh38, 1-based): chr22:46,436,281, G>C on the plus strand (C>G on the coding strand, the complement: CELSR1 is on the minus strand). VCF-style: chr22-46436281-G-C. GRCh37 (hg19) VCF-style: chr22-46832178-G-C.
Other names: c.4415C>G, p.Thr1472Ser (NM_014246.4); short protein forms T1472S.
Identifiers: ClinVar variation 986386 (VCV000986386.2), dbSNP rs931374138, ClinGen allele CA325144825.

ClinVar aggregate classification (germline): Conflicting classifications of pathogenicity. Review status: criteria provided, conflicting classifications (1 of 4 stars). 2 submissions from 2 submitters: Likely pathogenic (1); Uncertain significance (1). Last evaluated 2025-07-03.

Conditions:
Severe NDD.
Walker-Warburg congenital muscular dystrophy. Also called: Muscular dystrophy-dystroglycanopathy, type A; Walker-Warburg syndrome. Identifiers: Orphanet 899, MedGen C0265221, MONDO:0000171.

Allele frequency attached by ClinVar (database versions not stated): TOPMed 0.00002; gnomAD 0.00003.
gnomAD v4.1: 6 of 1,613,774 alleles (0.00037%); highest among the groups gnomAD compares: African/African-American, 0.008%; no homozygotes.

Submissions (2):

Genetics and Personalized Medicine, Danish Epilepsy Center
Classification: Likely pathogenic for Severe NDD. Last evaluated: 2025-07-03. Review status: criteria provided, single submitter. Criteria: ACMG Guidelines, 2015. Collection method: clinical testing. Allele origin: paternal. Inheritance: Autosomal recessive inheritance. Affected: yes. Observed: 1 compound heterozygote.
Comment: PM1, PM2, PP3, PP4

Broad Center for Mendelian Genomics, Broad Institute of MIT and Harvard
Classification: Uncertain significance for Walker-Warburg congenital muscular dystrophy. Last evaluated: 2020-11-16. Review status: criteria provided, single submitter. Criteria: ACMG Guidelines, 2015. Collection method: curation. Allele origin: germline. Inheritance: Autosomal recessive inheritance.
Comment: The variant has not been previously reported in individuals with Walker-Warburg syndrome and has been identified in 0.01% (1/8704) of African chromosomes by the Genome Aggregation Database (gnomAD; dbSNP rs931374138). Although this variant has been seen in the general population, its frequency is not high enough to rule out a pathogenic role. Computational prediction tools and conservation analyses suggest that this variant may impact the protein, though this information is not predictive enough to determine pathogenicity. Finally, although this gene has been reported in association with Walker-Warburg syndrome, it currently has limited evidence for these associations. In summary, the clinical significance of the p.Thr1472Ser variant is uncertain.